The following is an entry in ClinVar:

NM_000059.4(BRCA2):c.4669A>G (p.Thr1557Ala)

Gene: BRCA2 (BRCA2 DNA repair associated; plus strand). Cytogenetic location: 13q13.1.
Variant type: single nucleotide variant.
Coding change: c.4669A>G on transcript NM_000059.4 (MANE Select); coding-DNA position 4669, A replaced by G.
Protein change: p.Thr1557Ala; replaces threonine 1557 with alanine.
Molecular consequence: missense variant.
Genome position (GRCh38, 1-based): chr13:32,339,024, A>G. VCF-style: chr13-32339024-A-G. GRCh37 (hg19) VCF-style: chr13-32913161-A-G.
Other names: short protein forms T1557A.
Identifiers: ClinVar variation 630483 (VCV000630483.8), dbSNP rs1566230921, ClinGen allele CA387782776.

ClinVar aggregate classification (germline): Conflicting classifications of pathogenicity. Review status: criteria provided, conflicting classifications (1 of 4 stars). 3 submissions from 3 submitters: Uncertain significance (2); Likely benign (1). Last evaluated 2025-10-05.

Conditions:
Hereditary cancer-predisposing syndrome. Also called: Tumor predisposition; Neoplastic Syndromes, Hereditary; Hereditary neoplastic syndrome; Hereditary Cancer Syndrome. Identifiers: Orphanet 140162, MedGen C0027672, MeSH D009386, MONDO:0015356.

Submissions (3):

Ambry Genetics
Classification: Uncertain significance for Hereditary cancer-predisposing syndrome. Last evaluated: 2025-10-05. Review status: criteria provided, single submitter. Criteria: Ambry Variant Classification Scheme 2023. Collection method: clinical testing. Allele origin: germline.
Comment: The p.T1557A variant (also known as c.4669A>G), located in coding exon 10 of the BRCA2 gene, results from an A to G substitution at nucleotide position 4669. The threonine at codon 1557 is replaced by alanine, an amino acid with similar properties. This amino acid position is conserved. In addition, this alteration is predicted to be tolerated by in silico analysis. Based on the available evidence, the clinical significance of this variant remains unclear.

Color Diagnostics, LLC DBA Color Health
Classification: Uncertain significance for Hereditary cancer-predisposing syndrome. Last evaluated: 2023-12-05. Review status: criteria provided, single submitter. Criteria: ACMG Guidelines, 2015. Collection method: clinical testing. Allele origin: germline.
Comment: This missense variant replaces threonine with alanine at codon 1557 of the BRCA2 protein. Computational prediction suggests that this variant may not impact protein structure and function (internally defined REVEL score threshold <= 0.5, PMID: 27666373). To our knowledge, functional studies have not been reported for this variant. This variant has not been reported in individuals affected with BRCA2-related disorders in the literature. This variant has not been identified in the general population by the Genome Aggregation Database (gnomAD). The available evidence is insufficient to determine the role of this variant in disease conclusively. Therefore, this variant is classified as a Variant of Uncertain Significance.

University of Washington Department of Laboratory Medicine, University of Washington
Classification: Likely benign for Hereditary cancer-predisposing syndrome. Last evaluated: 2023-03-23. Review status: criteria provided, single submitter. Criteria: Dines et al. (Genet Med. 2020). Collection method: curation. Allele origin: germline.
Comment: Missense variant in a coldspot region where missense variants are very unlikely to be pathogenic (PMID:31911673).

BRCA2 exon 11 coldspot. Reclassification based on statistical prior probability.